The following is an entry in ClinVar:

NM_017841.4(SDHAF2):c.386C>G (p.Pro129Arg)

Gene: SDHAF2 (succinate dehydrogenase complex assembly factor 2; plus strand). Cytogenetic location: 11q12.2.
Variant type: single nucleotide variant.
Coding change: c.386C>G on transcript NM_017841.4 (MANE Select); coding-DNA position 386, C replaced by G.
Protein change: p.Pro129Arg; replaces proline 129 with arginine.
Molecular consequence: missense variant.
Genome position (GRCh38, 1-based): chr11:61,445,956, C>G. VCF-style: chr11-61445956-C-G. GRCh37 (hg19) VCF-style: chr11-61213428-C-G.
Other names: short protein forms P129R.
Identifiers: ClinVar variation 3438743 (VCV003438743.1).

ClinVar aggregate classification (germline): Uncertain significance (1 of 4 stars; one submission).

Conditions:
Hereditary cancer-predisposing syndrome. Also called: Tumor predisposition; Neoplastic Syndromes, Hereditary; Hereditary neoplastic syndrome; Hereditary Cancer Syndrome. Identifiers: Orphanet 140162, MedGen C0027672, MeSH D009386, MONDO:0015356.

Submission:

Ambry Genetics
Classification: Uncertain significance for Hereditary cancer-predisposing syndrome. Last evaluated: 2024-12-03. Review status: criteria provided, single submitter. Criteria: Ambry Variant Classification Scheme 2023. Collection method: clinical testing. Allele origin: germline.
Comment: The p.P129R variant (also known as c.386C>G), located in coding exon 4 of the SDHAF2 gene, results from a C to G substitution at nucleotide position 386. The proline at codon 129 is replaced by arginine, an amino acid with dissimilar properties. This amino acid position is conserved. In addition, this alteration is predicted to be deleterious by in silico analysis. Based on the available evidence, the clinical significance of this variant remains unclear.